The following is an entry in ClinVar:

ClinVar aggregate classification (germline): Uncertain significance (1 of 4 stars; one submission).

Conditions:
Myoclonic dystonia 11 (DYT11). Also called: Myoclonic dystonia; Dystonia 11; Dystonia, alcohol responsive; Hereditary essential myoclonus; SGCE Myoclonus-Dystonia; Myoclonus-Dystonia. Identifiers: Orphanet 36899, MedGen C1834570, MONDO:0008044, OMIM 159900.

Submission:

3billion
Classification: Uncertain significance for Myoclonic dystonia 11. Last evaluated: 2022-01-03. Review status: criteria provided, single submitter. Criteria: ACMG Guidelines, 2015. Collection method: clinical testing. Allele origin: germline. Affected: yes. Observed: 1 heterozygote.
Comment: A different missense change at the same codon has been reported to be associated with SGCE related disorder (PMID:18362280, PM5_P). In silico tool predictions suggest damaging effect of the variant on gene or gene product (REVEL: 0.96, 3CNET: 0.991, PP3_P). It is not observed in the gnomAD v2.1.1 dataset (PM2_M). Therefore, this variant is classified as uncertain significance according to the recommendation of ACMG/AMP guideline.

Literature cited by the submitters: PubMed 18362280.

NM_003919.3(SGCE):c.298T>C (p.Trp100Arg)

Genes: CASD1 (CAS1 domain sialic acid O acetyltransferase 1; plus strand), SGCE (sarcoglycan epsilon; minus strand). Cytogenetic location: 7q21.3.
Variant type: single nucleotide variant.
Coding change: c.298T>C on transcript NM_003919.3 (MANE Select); coding-DNA position 298, T replaced by C.
Protein change: p.Trp100Arg; replaces tryptophan 100 with arginine.
Molecular consequence: missense variant.
Genome position (GRCh38, 1-based): chr7:94,628,294, A>G on the plus strand (T>C on the coding strand, the complement: SGCE is on the minus strand). VCF-style: chr7-94628294-A-G. GRCh37 (hg19) VCF-style: chr7-94257606-A-G.
Other names: c.406T>C, p.Trp136Arg (NM_001346713.2, NM_001346715.2); c.298T>C, p.Trp100Arg (NM_001346717.2, NM_001099400.2, NM_001099401.2); c.211T>C, p.Trp71Arg (NM_001346719.2, NM_001362807.2); c.25T>C, p.Trp9Arg (NM_001346720.2, NM_001362808.2); c.175T>C, p.Trp59Arg (NM_001362809.2, NM_001301139.2); short protein forms W100R, W136R, W59R, W71R, W9R.
Identifiers: ClinVar variation 1333325 (VCV001333325.1), dbSNP rs2116959521, ClinGen allele CA368238263.